The following is an entry in ClinVar:

ClinVar aggregate classification (germline): Likely benign (1 of 4 stars; one submission).

Allele frequency attached by ClinVar (database versions not stated): ExAC 0.00007; gnomAD exomes 0.00007; ESP Exome Variant Server 0.00009; gnomAD 0.00009; TOPMed 0.00014.
gnomAD v4.1: 92 of 1,206,407 alleles (0.0076%); highest among the groups gnomAD compares: Middle Eastern, 0.069%; no homozygotes.

Submission:

CeGaT Center for Human Genetics Tuebingen
Classification: Likely benign. Last evaluated: 2023-02-01. Review status: criteria provided, single submitter. Criteria: CeGaT Center For Human Genetics Tuebingen Variant Classification Criteria Version 2. Collection method: clinical testing. Allele origin: germline. Affected: yes. Observed: 1 variant allele.
Comment: TASL: BP4, BP7, BS2

NM_025159.3(TASL):c.816T>C (p.Phe272=)

Gene: TASL (TLR adaptor interacting with endolysosomal SLC15A4; minus strand). Cytogenetic location: Xp21.2.
Variant type: single nucleotide variant.
Coding change: c.816T>C on transcript NM_025159.3 (MANE Select); coding-DNA position 816, T replaced by C.
Protein change: p.Phe272=; no amino-acid change (phenylalanine 272 retained).
Molecular consequence: synonymous variant.
Genome position (GRCh38, 1-based): chrX:30,559,540, A>G on the plus strand (T>C on the coding strand, the complement: TASL is on the minus strand). VCF-style: chrX-30559540-A-G. GRCh37 (hg19) VCF-style: chrX-30577657-A-G.
Identifiers: ClinVar variation 2660235 (VCV002660235.24), dbSNP rs375928267, ClinGen allele CA10376481.